The following is an entry in ClinVar:

NM_000263.4(NAGLU):c.1547C>T (p.Pro516Leu)

Gene: NAGLU (N-acetyl-alpha-glucosaminidase; plus strand). Cytogenetic location: 17q21.2.
Variant type: single nucleotide variant.
Coding change: c.1547C>T on transcript NM_000263.4 (MANE Select); coding-DNA position 1547, C replaced by T.
Protein change: p.Pro516Leu; replaces proline 516 with leucine.
Molecular consequence: missense variant.
Genome position (GRCh38, 1-based): chr17:42,543,553, C>T. VCF-style: chr17-42543553-C-T. GRCh37 (hg19) VCF-style: chr17-40695571-C-T.
Other names: c.1547C>T (NM_000263.3); short protein forms P516L.
Identifiers: ClinVar variation 3336585 (VCV003336585.3).

ClinVar aggregate classification (germline): Conflicting classifications of pathogenicity. Review status: criteria provided, conflicting classifications (1 of 4 stars). 3 submissions from 3 submitters: Likely pathogenic (2); Uncertain significance (1). Last evaluated 2026-06-09.

Conditions:
Mucopolysaccharidosis, MPS-III-B (MPS3B). Also called: N-ACETYL-ALPHA-D-GLUCOSAMINIDASE DEFICIENCY; NAGLU DEFICIENCY; SANFILIPPO SYNDROME B; MPS III B; MPS IIIB (Sanfilippo Syndrome Type B); MUCOPOLYSACCHARIDOSIS, TYPE IIIB. Identifiers: Orphanet 79270, MedGen C0086648, MONDO:0009656, OMIM 252920.

gnomAD v4.1: 6 of 1,611,164 alleles (0.00037%); highest among the groups gnomAD compares: African/African-American, 0.0013%; no homozygotes.

Submissions (3):

Myriad Genetics, Inc.
Classification: Uncertain significance for Mucopolysaccharidosis, MPS-III-B. Last evaluated: 2026-06-09. Review status: criteria provided, single submitter. Criteria: Myriad Autosomal Dominant, Autosomal Recessive and X-Linked Classification Criteria (2023). Collection method: clinical testing. Allele origin: unknown.
Comment: NM_000263.3(NAGLU):c.1547C>T(P516L) is a missense variant classified as a variant of uncertain significance in the context of mucopolysaccharidosis type IIIB. P516L has been observed in a case with relevant disease (PMID: 14984474). Relevant functional assessments of this variant are available in the literature (PMID: 14984474, 29979746). P516L has been observed in referenced population frequency databases. In summary, there is insufficient evidence to classify NM_000263.3(NAGLU):c.1547C>T(P516L) as pathogenic or benign. Please note: this variant was assessed in the context of healthy population screening.

Natera, Inc.
Classification: Likely pathogenic for Mucopolysaccharidosis type IIIB. Last evaluated: 2024-12-04. Review status: criteria provided, single submitter. Criteria: Natera Variant Classification Schema (03/2026). Collection method: clinical testing. Allele origin: germline.
Comment: The c.1547C>T variant in NAGLU is a missense variant predicted to cause substitution of proline to leucine at amino acid 516. This variant is rare in the general population with a frequency below the threshold expected for the associated phenotype(s). This variant has been observed in one or more individuals affected with the associated recessive disease, as either homozygous or compound heterozygous with a second variant (PMID: 14984474). This variant has been identified in one or more affected individuals with a phenotype highly consistent with the associated gene (PMID: 14984474). Functional studies show that this variant may disrupt protein function (PMID: 29979746). Computational prediction algorithms indicate this variant is likely to affect gene or protein function. Given the available evidence, this variant is classified as Likely Pathogenic.

Women's Health and Genetics/Laboratory Corporation of America, LabCorp
Classification: Likely pathogenic for Mucopolysaccharidosis, MPS-III-B. Last evaluated: 2024-05-15. Review status: criteria provided, single submitter. Criteria: LabCorp Variant Classification Summary - May 2015. Collection method: clinical testing. Allele origin: germline.
Comment: Variant summary: NAGLU c.1547C>T (p.Pro516Leu) results in a non-conservative amino acid change located in the alpha-N-acetylglucosaminidase, C-terminal domain (IPR024732) of the encoded protein sequence. Four of five in-silico tools predict a damaging effect of the variant on protein function. The variant allele was found at a frequency of 4.1e-06 in 243532 control chromosomes (gnomAD). c.1547C>T has been reported in the literature in at least one individual affected with Mucopolysaccharidosis Type IIIB (Sanfilippo Syndrome B; Beesley_2004). In vitro functional studies show that the variant has reduced activity compared to wild-type (Clark_2018, Beesley_2004). The following publications have been ascertained in the context of this evaluation (PMID: 14984474, 29979746). No submitters have cited clinical-significance assessments for this variant to ClinVar. Based on the evidence outlined above, the variant was classified as likely pathogenic.

Literature cited by the submitters: PubMed 14984474 (cited by 3 submitters); PubMed 29979746 (cited by 3 submitters).